The following is an entry in ClinVar:

ClinVar aggregate classification (germline): Likely benign (1 of 4 stars; one submission).

Allele frequency attached by ClinVar (database versions not stated): ESP Exome Variant Server 0.00107; ExAC 0.00116; 1000 Genomes Project 0.00120; gnomAD exomes 0.00140; 1000 Genomes Project 30x 0.00141; TOPMed 0.00156; gnomAD 0.00172.
gnomAD v4.1: 2,293 of 1,612,932 alleles (0.14%); highest among the groups gnomAD compares: Non-Finnish European, 0.17%; 5 homozygotes.

Submission:

CeGaT Center for Human Genetics Tuebingen
Classification: Likely benign. Last evaluated: 2022-08-01. Review status: criteria provided, single submitter. Criteria: CeGaT Center For Human Genetics Tuebingen Variant Classification Criteria Version 2. Collection method: clinical testing. Allele origin: germline. Affected: yes. Observed: 1 variant allele.
Comment: MCF2L: BP4, BS2

NM_001112732.3(MCF2L):c.79+10238C>A

Gene: MCF2L (MCF.2 cell line derived transforming sequence like; plus strand). Cytogenetic location: 13q34.
Variant type: single nucleotide variant.
Coding change: c.79+10238C>A on transcript NM_001112732.3 (MANE Select); 10238 bases into the intron after coding-DNA position 79, C replaced by A.
Molecular consequence: intron variant. On other transcripts: missense variant (1).
Genome position (GRCh38, 1-based): chr13:112,979,696, C>A. VCF-style: chr13-112979696-C-A. GRCh37 (hg19) VCF-style: chr13-113634010-C-A.
Other names: c.29C>A, p.Thr10Asn (NM_001320816.2); c.-9+9496C>A (NM_001366644.2); short protein forms T10N.
Identifiers: ClinVar variation 2643971 (VCV002643971.22), dbSNP rs183848433, ClinGen allele CA7057871.